The following is an entry in ClinVar:

NM_016151.4(TAOK2):c.3567A>G (p.Glu1189=)

Gene: TAOK2 (TAO kinase 2; plus strand). Cytogenetic location: 16p11.2.
Variant type: single nucleotide variant.
Coding change: c.3567A>G on transcript NM_016151.4 (MANE Select); coding-DNA position 3567, A replaced by G.
Protein change: p.Glu1189=; no amino-acid change (glutamic acid 1189 retained).
Molecular consequence: synonymous variant. On other transcripts: intron variant (1).
Genome position (GRCh38, 1-based): chr16:29,987,839, A>G. VCF-style: chr16-29987839-A-G. GRCh37 (hg19) VCF-style: chr16-29999160-A-G.
Other names: c.3567A>G (NM_016151.3); c.3228A>G, p.Glu1076= (NM_001252043.2); c.2232+1335A>G (NM_004783.4).
Identifiers: ClinVar variation 1404737 (VCV001404737.9), dbSNP rs199799832, ClinGen allele CA7998595.

ClinVar aggregate classification (germline): Likely benign. Review status: criteria provided, multiple submitters, no conflicts (2 of 4 stars). 2 submissions from 2 submitters: Likely benign (2). Last evaluated 2025-11-25.

Conditions:
TAOK2-related disorder. Also called: TAOK2-related condition.

Allele frequency attached by ClinVar (database versions not stated): gnomAD exomes 0.00001 and 0.00002; gnomAD 0.00003; TOPMed 0.00006; 1000 Genomes Project 30x 0.00016; 1000 Genomes Project 0.00020.
gnomAD v4.1: 30 of 1,612,086 alleles (0.0019%); highest among the groups gnomAD compares: Middle Eastern, 0.05%; no homozygotes.

Submissions (2):

Labcorp Genetics (formerly Invitae), Labcorp
Classification: Likely benign. Last evaluated: 2025-11-25. Review status: criteria provided, single submitter. Criteria: Invitae Variant Classification Sherloc (09022015). Collection method: clinical testing. Allele origin: germline.

PreventionGenetics, part of Exact Sciences
Classification: Likely benign for TAOK2-related condition. Last evaluated: 2024-11-13. Review status: criteria provided, single submitter. Criteria: ACMG Guidelines, 2015. Collection method: clinical testing. Allele origin: germline.
Comment: This variant is classified as likely benign based on ACMG/AMP sequence variant interpretation guidelines (Richards et al. 2015 PMID: 25741868, with internal and published modifications).